The following is an entry in ClinVar:

ClinVar aggregate classification (germline): Uncertain significance (1 of 4 stars; one submission).

Conditions:
Hereditary cancer-predisposing syndrome. Also called: Hereditary neoplastic syndrome; Neoplastic Syndromes, Hereditary; Tumor predisposition; Hereditary Cancer Syndrome. Identifiers: Orphanet 140162, MedGen C0027672, MeSH D009386, MONDO:0015356.

Submission:

Ambry Genetics
Classification: Uncertain significance for Hereditary cancer-predisposing syndrome. Last evaluated: 2025-08-27. Review status: criteria provided, single submitter. Criteria: Ambry Variant Classification Scheme 2023. Collection method: clinical testing. Allele origin: germline.
Comment: The p.D328Y variant (also known as c.982G>T), located in coding exon 11 of the MUTYH gene, results from a G to T substitution at nucleotide position 982. The aspartic acid at codon 328 is replaced by tyrosine, an amino acid with highly dissimilar properties. This amino acid position is conserved. In addition, this alteration is predicted to be tolerated by in silico analysis. Based on the available evidence, the clinical significance of this variant remains unclear.

NM_001048174.2(MUTYH):c.898G>T (p.Asp300Tyr)

Gene: MUTYH (mutY DNA glycosylase; minus strand). Cytogenetic location: 1p34.1.
Variant type: single nucleotide variant.
Coding change: c.898G>T on transcript NM_001048174.2 (MANE Select); coding-DNA position 898, G replaced by T.
Protein change: p.Asp300Tyr; replaces aspartic acid 300 with tyrosine.
Molecular consequence: missense variant. On other transcripts: non-coding transcript variant (7).
Genome position (GRCh38, 1-based): chr1:45,332,038, C>A on the plus strand (G>T on the coding strand, the complement: MUTYH is on the minus strand). VCF-style: chr1-45332038-C-A. GRCh37 (hg19) VCF-style: chr1-45797710-C-A.
Other names: c.898G>T, p.Asp300Tyr (NM_001407070.1, NM_001407072.1, NM_001407073.1 and 6 more transcripts); c.901G>T, p.Asp301Tyr (NM_001407071.1, NM_001407078.1, NM_001048172.2 and 1 more transcripts); c.814G>T, p.Asp272Tyr (NM_001407075.1); c.931G>T, p.Asp311Tyr (NM_001407077.1, NM_001293191.2, NM_001407069.1); c.859G>T, p.Asp287Tyr (NM_001407079.1); c.856G>T, p.Asp286Tyr (NM_001407080.1); c.982G>T, p.Asp328Tyr (NM_001128425.2); c.943G>T, p.Asp315Tyr (NM_001293190.2); and 5 more; short protein forms D286Y, D300Y, D315Y, D325Y, D208Y, D307Y, D314Y, D185Y.
Identifiers: ClinVar variation 4113984 (VCV004113984.1).
Genomic context (GRCh38, chr1:45,332,038, plus strand): 5'-ACTGGGCCAGGAAGGGTTGGGGTGGGGGCTAGGTTTGGTGCTCACCACACTCCTCCACGT[C>A]AGGACTGCCCGACAGGCTCCCTGAGGCTAAGAGCTGTTCCTGCTCCACCTGAGAGGCACA-3'
Protein context (NP_001041639.1, residues 290-310): LASGSLSGSP[Asp300Tyr]VEECAPNTGQ